The following is an entry in ClinVar:

ClinVar aggregate classification (germline): Uncertain significance (1 of 4 stars; one submission).

Conditions:
Dyskeratosis congenita. Identifiers: Orphanet 1775, MedGen C0265965, MONDO:0015780.

Allele frequency attached by ClinVar (database versions not stated): TOPMed 0.00002.

Submission:

Labcorp Genetics (formerly Invitae), Labcorp
Classification: Uncertain significance for Dyskeratosis congenita. Last evaluated: 2023-11-25. Review status: criteria provided, single submitter. Criteria: Invitae Variant Classification Sherloc (09022015). Collection method: clinical testing. Allele origin: germline.
Comment: This sequence change replaces aspartic acid, which is acidic and polar, with histidine, which is basic and polar, at codon 718 of the CTC1 protein (p.Asp718His). This variant is not present in population databases (gnomAD no frequency). This variant has not been reported in the literature in individuals affected with CTC1-related conditions. ClinVar contains an entry for this variant (Variation ID: 1370568). An algorithm developed to predict the effect of missense changes on protein structure and function (PolyPhen-2) suggests that this variant is likely to be disruptive. In summary, the available evidence is currently insufficient to determine the role of this variant in disease. Therefore, it has been classified as a Variant of Uncertain Significance.

NM_025099.6(CTC1):c.2152G>C (p.Asp718His)

Gene: CTC1 (CST telomere replication complex component 1; minus strand). Cytogenetic location: 17p13.1.
Variant type: single nucleotide variant.
Coding change: c.2152G>C on transcript NM_025099.6 (MANE Select); coding-DNA position 2152, G replaced by C.
Protein change: p.Asp718His; replaces aspartic acid 718 with histidine.
Molecular consequence: missense variant. On other transcripts: non-coding transcript variant (1).
Genome position (GRCh38, 1-based): chr17:8,232,136, C>G on the plus strand (G>C on the coding strand, the complement: CTC1 is on the minus strand). VCF-style: chr17-8232136-C-G. GRCh37 (hg19) VCF-style: chr17-8135454-C-G.
Other names: short protein forms D718H.
Identifiers: ClinVar variation 1370568 (VCV001370568.6), dbSNP rs1458344790, ClinGen allele CA397978721.